The following is an entry in ClinVar:

NM_152617.4(RNF168):c.1417G>A (p.Glu473Lys)

Gene: RNF168 (ring finger protein 168; minus strand). Cytogenetic location: 3q29.
Variant type: single nucleotide variant.
Coding change: c.1417G>A on transcript NM_152617.4 (MANE Select); coding-DNA position 1417, G replaced by A.
Protein change: p.Glu473Lys; replaces glutamic acid 473 with lysine.
Molecular consequence: missense variant.
Genome position (GRCh38, 1-based): chr3:196,472,118, C>T on the plus strand (G>A on the coding strand, the complement: RNF168 is on the minus strand). VCF-style: chr3-196472118-C-T. GRCh37 (hg19) VCF-style: chr3-196198989-C-T.
Other names: short protein forms E473K.
Identifiers: ClinVar variation 1935253 (VCV001935253.6), dbSNP rs2474274862, ClinGen allele CA355615866.

ClinVar aggregate classification (germline): Uncertain significance. Review status: criteria provided, multiple submitters, no conflicts (2 of 4 stars). 2 submissions from 2 submitters: Uncertain significance (2). Last evaluated 2023-11-09.

Conditions:
Inborn genetic diseases. Identifiers: MedGen C0950123, MeSH D030342.

Allele frequency attached by ClinVar (database versions not stated): gnomAD exomes below 0.00001.
gnomAD v4.1: 2 of 1,614,024 alleles (0.00012%); highest among the groups gnomAD compares: Non-Finnish European, 0.00017%; no homozygotes.

Submissions (2):

Ambry Genetics
Classification: Uncertain significance for Inborn genetic diseases. Last evaluated: 2023-11-09. Review status: criteria provided, single submitter. Criteria: Ambry Variant Classification Scheme 2023. Collection method: clinical testing. Allele origin: germline.

Labcorp Genetics (formerly Invitae), Labcorp
Classification: Uncertain significance. Last evaluated: 2021-12-18. Review status: criteria provided, single submitter. Criteria: Invitae Variant Classification Sherloc (09022015). Collection method: clinical testing. Allele origin: germline.
Comment: This variant has not been reported in the literature in individuals affected with RNF168-related conditions. This variant is not present in population databases (gnomAD no frequency). This sequence change replaces glutamic acid, which is acidic and polar, with lysine, which is basic and polar, at codon 473 of the RNF168 protein (p.Glu473Lys). Algorithms developed to predict the effect of missense changes on protein structure and function are either unavailable or do not agree on the potential impact of this missense change (SIFT: "Tolerated"; PolyPhen-2: "Possibly Damaging"; Align-GVGD: "Class C0"). In summary, the available evidence is currently insufficient to determine the role of this variant in disease. Therefore, it has been classified as a Variant of Uncertain Significance.